The following is an entry in ClinVar:

NM_002160.4(TNC):c.5176G>A (p.Ala1726Thr)

Gene: TNC (tenascin C; minus strand). Cytogenetic location: 9q33.1.
Variant type: single nucleotide variant.
Coding change: c.5176G>A on transcript NM_002160.4 (MANE Select); coding-DNA position 5176, G replaced by A.
Protein change: p.Ala1726Thr; replaces alanine 1726 with threonine.
Molecular consequence: missense variant.
Genome position (GRCh38, 1-based): chr9:115,042,291, C>T on the plus strand (G>A on the coding strand, the complement: TNC is on the minus strand). VCF-style: chr9-115042291-C-T. GRCh37 (hg19) VCF-style: chr9-117804570-C-T.
Other names: c.4630G>A, p.Ala1544Thr (NM_001410991.1, NM_001439083.1, NM_001439084.1 and 2 more transcripts); c.5725G>A, p.Ala1909Thr (NM_001439065.1, NM_001439066.1, NM_001439067.1); c.5452G>A, p.Ala1818Thr (NM_001439068.1, NM_001439069.1, NM_001439070.1); c.5449G>A, p.Ala1817Thr (NM_001439071.1); c.5179G>A, p.Ala1727Thr (NM_001439072.1, NM_001439073.1); c.5176G>A, p.Ala1726Thr (NM_001439074.1, NM_001439075.1, NM_001439076.1); c.4903G>A, p.Ala1635Thr (NM_001439077.1, NM_001439078.1, NM_001439079.1 and 3 more transcripts); c.4357G>A, p.Ala1453Thr (NM_001439087.1, NM_001439088.1); and 4 more; short protein forms A1180T, A1362T, A1726T, A1817T, A1271T, A1544T, A1727T, A1818T.
Identifiers: ClinVar variation 4985535 (VCV004985535.1).

ClinVar aggregate classification (germline): Uncertain significance (1 of 4 stars; one submission).

Conditions:
TNC-related disorder. Also called: TNC-related condition.

gnomAD v4.1: 1 of 1,613,996 alleles (0.000062%); highest among the groups gnomAD compares: African/African-American, 0.0013%; no homozygotes.

Submission:

PreventionGenetics, part of Exact Sciences
Classification: Uncertain significance for TNC-related condition. Last evaluated: 2026-01-29. Review status: criteria provided, single submitter. Criteria: ACMG Guidelines, 2015. Collection method: clinical testing. Allele origin: germline.
Comment: The TNC c.5176G>A variant is predicted to result in the amino acid substitution p.Ala1726Thr. To our knowledge, this variant has not been reported in the literature or in a large population database (gnomAD), indicating this variant is rare. At this time, the clinical significance of this variant is uncertain due to the absence of conclusive functional and genetic evidence.